The following is an entry in ClinVar:

NM_000094.4(COL7A1):c.4888C>T (p.Arg1630Ter)

Gene: COL7A1 (collagen type VII alpha 1 chain; minus strand). Cytogenetic location: 3p21.31.
Variant type: single nucleotide variant.
Coding change: c.4888C>T on transcript NM_000094.4 (MANE Select); coding-DNA position 4888, C replaced by T.
Protein change: p.Arg1630Ter; replaces arginine 1630 with a stop codon.
Molecular consequence: nonsense.
Genome position (GRCh38, 1-based): chr3:48,581,271, G>A on the plus strand (C>T on the coding strand, the complement: COL7A1 is on the minus strand). VCF-style: chr3-48581271-G-A. GRCh37 (hg19) VCF-style: chr3-48618704-G-A.
Other names: short protein forms R1630*.
Identifiers: ClinVar variation 17454 (VCV000017454.29), dbSNP rs121912847, ClinGen allele CA127199.

ClinVar aggregate classification (germline): Pathogenic. Review status: criteria provided, multiple submitters, no conflicts (2 of 4 stars). 6 submissions from 6 submitters: Pathogenic (4). 2 of the submissions do not count toward it. Last evaluated 2026-01-21.

Conditions:
Recessive dystrophic epidermolysis bullosa (RDEB). Also called: severe generalized recessive dystrophic epidermolysis bullosa; EPIDERMOLYSIS BULLOSA DYSTROPHICA, GENERALIZED SEVERE, AUTOSOMAL RECESSIVE; DYSTROPHIC EPIDERMOLYSIS BULLOSA, AUTOSOMAL RECESSIVE; Recessive DEB (RDEB); Epidermolysis Bullosa Distrophica Autosomal Recessive (RDEB); EPIDERMOLYSIS BULLOSA DYSTROPHICA, HALLOPEAU-SIEMENS TYPE. Identifiers: Orphanet 79408, Orphanet 79409, MedGen C0079474, MONDO:0009179, OMIM 226600.
Epidermolysis bullosa pruriginosa, autosomal recessive. Identifiers: MedGen C1853063.
Epidermolysis bullosa dystrophica inversa, autosomal recessive. Identifiers: MedGen C2673612.

Allele frequency attached by ClinVar (database versions not stated): TOPMed below 0.00001; gnomAD 0.00001; gnomAD exomes 0.00001.

Submissions (6):

Labcorp Genetics (formerly Invitae), Labcorp
Classification: Pathogenic. Last evaluated: 2026-01-21. Review status: criteria provided, single submitter. Criteria: Invitae Variant Classification Sherloc (09022015). Collection method: clinical testing. Allele origin: germline.
Comment: This sequence change creates a premature translational stop signal (p.Arg1630*) in the COL7A1 gene. It is expected to result in an absent or disrupted protein product. Loss-of-function variants in COL7A1 are known to be pathogenic (PMID: 16971478). This variant is not present in population databases (gnomAD no frequency). This premature translational stop signal has been observed in individual(s) with recessive epidermolysis bullosa dystrophica (PMID: 27899325, 32484238). ClinVar contains an entry for this variant (Variation ID: 17454). For these reasons, this variant has been classified as Pathogenic.

Myriad Genetics, Inc.
Classification: Pathogenic for Recessive dystrophic epidermolysis bullosa. Last evaluated: 2025-07-28. Review status: criteria provided, single submitter. Criteria: Myriad Autosomal Dominant, Autosomal Recessive and X-Linked Classification Criteria (2023). Collection method: clinical testing. Allele origin: unknown.
Comment: NM_000094.3(COL7A1):c.4888C>T(R1630*) is a nonsense variant classified as pathogenic in the context of dystrophic epidermolysis bullosa. R1630* has been observed in cases with relevant disease (PMID: 27899325, 32484238, 37556444). Relevant functional assessments of this variant are not available in the literature. R1630* has not been observed in referenced population frequency databases. In summary, NM_000094.3(COL7A1):c.4888C>T(R1630*) is a nonsense variant in a gene where loss of function is a known mechanism of disease, is predicted to disrupt protein function, and has been observed more frequently in cases with the relevant disease than in healthy populations. Please note: this variant was assessed in the context of healthy population screening.

Center for Research in Genodermatoses and Epidermolysis Bullosa, University of Buenos Aires
Classification: Pathogenic for Recessive dystrophic epidermolysis bullosa. Last evaluated: 2022-03-14. Review status: criteria provided, single submitter. Criteria: ACMG Guidelines, 2015. Collection method: clinical testing. Allele origin: maternal. Affected: yes. Observed: 1 variant allele, 1 compound heterozygote.

GeneDx
Classification: Pathogenic. Last evaluated: 2016-03-10. Review status: criteria provided, single submitter. Criteria: GeneDx Variant Classification (06012015). Collection method: clinical testing. Allele origin: germline. Affected: yes.
Comment: The R1630X nonsense variant in the COL7A1 gene has been reported previously in association with dystrophic epidermolysis bullosa (Pulkkinen et al., 1999). This pathogenic variant is predicted to cause loss of normal protein function either through protein truncation or nonsense-mediated mRNA decay. The variant was not observed in approximately 6,500 individuals of European and African American ancestry in the NHLBI Exome Sequencing Project, indicating it is not a common benign variant in these populations.

Natera, Inc.
Classification: Pathogenic for Autosomal recessive epidermolysis bullosa dystrophica inversa. Last evaluated: 2020-09-16. Review status: no assertion criteria provided. Collection method: clinical testing. Allele origin: germline. Not counted in ClinVar's aggregate classification.

OMIM
Classification: Pathogenic for EPIDERMOLYSIS BULLOSA PRURIGINOSA, AUTOSOMAL RECESSIVE. Last evaluated: 2006-10-01. Review status: no assertion criteria provided. Collection method: literature only. Allele origin: germline. Not counted in ClinVar's aggregate classification.

Literature cited by the submitters: PubMed 16971478 (cited by Labcorp Genetics (formerly Invitae), Labcorp); PubMed 27899325 (cited by Labcorp Genetics (formerly Invitae), Labcorp and Myriad Genetics, Inc.); PubMed 32484238 (cited by Labcorp Genetics (formerly Invitae), Labcorp and Myriad Genetics, Inc.); PubMed 37556444 (cited by Myriad Genetics, Inc.); PubMed 35979658 (cited by Center for Research in Genodermatoses and Epidermolysis Bullosa, University of Buenos Aires); PubMed 10367729 (cited by Center for Research in Genodermatoses and Epidermolysis Bullosa, University of Buenos Aires); PubMed 16965329 (cited by OMIM).